The following is an entry in ClinVar:

ClinVar aggregate classification (germline): Conflicting classifications of pathogenicity. Review status: criteria provided, conflicting classifications (1 of 4 stars). 4 submissions from 4 submitters: Uncertain significance (2); Likely benign (1). 1 of the submissions does not count toward it. Last evaluated 2025-08-26.

Conditions:
Kartagener syndrome (CILD1). Also called: Dextrocardia bronchiectasis and sinusitis; IMMOTILE CILIA SYNDROME; POLYNESIAN BRONCHIECTASIS; CILIARY DYSKINESIA, PRIMARY, 1; CILIARY DYSKINESIA, PRIMARY, 1, WITH OR WITHOUT SITUS INVERSUS; SIEWERT SYNDROME. Identifiers: Orphanet 244, MedGen C4551906, MONDO:0009484, OMIM 244400.
Primary ciliary dyskinesia. Also called: Ciliary dyskinesia. Identifiers: Orphanet 244, MedGen C0008780, MONDO:0016575, HP:0012265.

Allele frequency attached by ClinVar (database versions not stated): TOPMed 0.00004; gnomAD exomes 0.00001 and 0.00002; ExAC 0.00002; gnomAD 0.00004.
gnomAD v4.1: 33 of 1,613,974 alleles (0.002%); highest among the groups gnomAD compares: Middle Eastern, 0.016%; no homozygotes.

Submissions (4):

Mayo Clinic Laboratories, Mayo Clinic
Classification: Likely benign. Last evaluated: 2025-08-26. Review status: criteria provided, single submitter. Criteria: ACMG Guidelines, 2015. Collection method: clinical testing. Allele origin: germline. Observed: 1 variant allele.
Comment: BP4, BP7

Labcorp Genetics (formerly Invitae), Labcorp
Classification: Uncertain significance for Primary ciliary dyskinesia. Last evaluated: 2021-07-24. Review status: criteria provided, single submitter. Criteria: Invitae Variant Classification Sherloc (09022015). Collection method: clinical testing. Allele origin: germline.
Comment: This sequence change falls in intron 14 of the DNAI1 gene. It does not directly change the encoded amino acid sequence of the DNAI1 protein. It affects a nucleotide within the consensus splice site of the intron. This variant is present in population databases (rs759795923, ExAC 0.003%). This variant has not been reported in the literature in individuals affected with DNAI1-related conditions. Nucleotide substitutions within the consensus splice site are a relatively common cause of aberrant splicing (PMID: 17576681, 9536098). Algorithms developed to predict the effect of sequence changes on RNA splicing suggest that this variant is not likely to affect RNA splicing. In summary, the available evidence is currently insufficient to determine the role of this variant in disease. Therefore, it has been classified as a Variant of Uncertain Significance.

Illumina Laboratory Services, Illumina
Classification: Uncertain significance for Kartagener syndrome. Last evaluated: 2018-01-13. Review status: criteria provided, single submitter. Criteria: ICSL Variant Classification Criteria 13 December 2019. Collection method: clinical testing. Allele origin: germline.

Natera, Inc.
Classification: Uncertain significance for Primary ciliary dyskinesia. Last evaluated: 2019-11-11. Review status: no assertion criteria provided. Collection method: clinical testing. Allele origin: germline. Not counted in ClinVar's aggregate classification.

Literature cited by the submitters: PubMed 17576681 (cited by Labcorp Genetics (formerly Invitae), Labcorp); PubMed 9536098 (cited by Labcorp Genetics (formerly Invitae), Labcorp).

NM_012144.4(DNAI1):c.1401+3G>A

Gene: DNAI1 (dynein axonemal intermediate chain 1; plus strand). Cytogenetic location: 9p13.3.
Variant type: single nucleotide variant.
Coding change: c.1401+3G>A on transcript NM_012144.4 (MANE Select); 3 bases into the intron after coding-DNA position 1401, G replaced by A.
Molecular consequence: intron variant.
Genome position (GRCh38, 1-based): chr9:34,512,201, G>A. VCF-style: chr9-34512201-G-A. GRCh37 (hg19) VCF-style: chr9-34512199-G-A.
Other names: p.?; c.1413+3G>A (NM_001281428.2).
Identifiers: ClinVar variation 411843 (VCV000411843.10), dbSNP rs759795923, ClinGen allele CA5034372.
Genomic context (GRCh38, chr9:34,512,201, plus strand): 5'-CCTTAACTTCTTCTCTGTGTCATCTGACGGCAGGATTGTGTCTTGGACTCTCGTGAAGGT[G>A]CCTATTTCCCAGAGAGGGTCACACTGGGGTGATTGGGGAGGCAGGGAGCTAAATGGCAAA-3'